The following is an entry in ClinVar:

ClinVar aggregate classification (germline): Uncertain significance. Review status: criteria provided, multiple submitters, no conflicts (2 of 4 stars). 3 submissions from 3 submitters: Uncertain significance (3). Last evaluated 2024-03-06.

Conditions:
Familial cancer of breast. Also called: Hereditary breast cancer; BREAST CANCER, FAMILIAL; hereditary breast carcinoma. Identifiers: Orphanet 227535, MedGen C0346153, MONDO:0016419, OMIM 114480. Disease mechanism: loss of function.
Hereditary cancer-predisposing syndrome. Also called: Neoplastic Syndromes, Hereditary; Hereditary Cancer Syndrome; Tumor predisposition; Hereditary neoplastic syndrome. Identifiers: Orphanet 140162, MedGen C0027672, MeSH D009386, MONDO:0015356.

Submissions (3):

Color Diagnostics, LLC DBA Color Health
Classification: Uncertain significance for Hereditary cancer-predisposing syndrome. Last evaluated: 2024-03-06. Review status: criteria provided, single submitter. Criteria: ACMG Guidelines, 2015. Collection method: clinical testing. Allele origin: germline.
Comment: This missense variant replaces methionine with isoleucine at codon 584 of the BARD1 protein. Computational prediction suggests that this variant may not impact protein structure and function (internally defined REVEL score threshold <= 0.5, PMID: 27666373). Splice site prediction tools suggest that this variant may not impact RNA splicing. To our knowledge, functional studies have not been performed for this variant. This variant has not been reported in individuals affected with hereditary cancer in the literature. This variant has not been identified in the general population by the Genome Aggregation Database (gnomAD). The available evidence is insufficient to determine the role of this variant in disease conclusively. Therefore, this variant is classified as a Variant of Uncertain Significance.

Ambry Genetics
Classification: Uncertain significance for Hereditary cancer-predisposing syndrome. Last evaluated: 2024-03-01. Review status: criteria provided, single submitter. Criteria: Ambry Variant Classification Scheme 2023. Collection method: clinical testing. Allele origin: germline.
Comment: The p.M584I variant (also known as c.1752G>T), located in coding exon 8 of the BARD1 gene, results from a G to T substitution at nucleotide position 1752. The methionine at codon 584 is replaced by isoleucine, an amino acid with highly similar properties. This amino acid position is conserved. In addition, this alteration is predicted to be tolerated by in silico analysis. Based on the available evidence, the clinical significance of this alteration remains unclear.

Labcorp Genetics (formerly Invitae), Labcorp
Classification: Uncertain significance for Familial cancer of breast. Last evaluated: 2024-02-06. Review status: criteria provided, single submitter. Criteria: Invitae Variant Classification Sherloc (09022015). Collection method: clinical testing. Allele origin: germline.
Comment: This sequence change replaces methionine, which is neutral and non-polar, with isoleucine, which is neutral and non-polar, at codon 584 of the BARD1 protein (p.Met584Ile). This variant is not present in population databases (gnomAD no frequency). This variant has not been reported in the literature in individuals affected with BARD1-related conditions. ClinVar contains an entry for this variant (Variation ID: 927914). An algorithm developed to predict the effect of missense changes on protein structure and function (PolyPhen-2) suggests that this variant is likely to be tolerated. In summary, the available evidence is currently insufficient to determine the role of this variant in disease. Therefore, it has been classified as a Variant of Uncertain Significance.

NM_000465.4(BARD1):c.1752G>T (p.Met584Ile)

Gene: BARD1 (BRCA1 associated RING domain 1; minus strand). Cytogenetic location: 2q35.
Variant type: single nucleotide variant.
Coding change: c.1752G>T on transcript NM_000465.4 (MANE Select); coding-DNA position 1752, G replaced by T.
Protein change: p.Met584Ile; replaces methionine 584 with isoleucine.
Molecular consequence: missense variant. On other transcripts: non-coding transcript variant (3), intron variant (1).
Genome position (GRCh38, 1-based): chr2:214,745,780, C>A on the plus strand (G>T on the coding strand, the complement: BARD1 is on the minus strand). VCF-style: chr2-214745780-C-A. GRCh37 (hg19) VCF-style: chr2-215610504-C-A.
Other names: c.1695G>T, p.Met565Ile (NM_001282543.2); c.399G>T, p.Met133Ile (NM_001282545.2); c.342G>T, p.Met114Ile (NM_001282548.2); c.365-15272G>T (NM_001282549.2); c.1752G>T (NM_000465.2); short protein forms M114I, M133I, M565I, M584I.
Identifiers: ClinVar variation 927914 (VCV000927914.7), dbSNP rs876658230, ClinGen allele CA350452907.